The following is an entry in ClinVar:

NM_014049.5(ACAD9):c.1132G>A (p.Glu378Lys)

Gene: ACAD9 (acyl-CoA dehydrogenase family member 9; plus strand). Cytogenetic location: 3q21.3.
Variant type: single nucleotide variant.
Coding change: c.1132G>A on transcript NM_014049.5 (MANE Select); coding-DNA position 1132, G replaced by A.
Protein change: p.Glu378Lys; replaces glutamic acid 378 with lysine.
Molecular consequence: missense variant. On other transcripts: non-coding transcript variant (1).
Genome position (GRCh38, 1-based): chr3:128,904,488, G>A. VCF-style: chr3-128904488-G-A. GRCh37 (hg19) VCF-style: chr3-128623331-G-A.
Other names: c.763G>A, p.Glu255Lys (NM_001410805.1); short protein forms E255K, E378K.
Identifiers: ClinVar variation 2492895 (VCV002492895.4), dbSNP rs375363759, ClinGen allele CA2601401.

ClinVar aggregate classification (germline): Uncertain significance. Review status: criteria provided, multiple submitters, no conflicts (2 of 4 stars). 3 submissions from 3 submitters: Uncertain significance (3). Last evaluated 2024-11-23.

Conditions:
Inborn genetic diseases. Identifiers: MedGen C0950123, MeSH D030342.
Acyl-CoA dehydrogenase 9 deficiency. Also called: Acyl-CoA dehydrogenase family, member 9, deficiency of; MITOCHONDRIAL COMPLEX I DEFICIENCY, NUCLEAR TYPE 20. Identifiers: Orphanet 99901, MedGen C4747517, MONDO:0012624, OMIM 611126.

Allele frequency attached by ClinVar (database versions not stated): ExAC 0.00001; gnomAD 0.00001; TOPMed 0.00002; gnomAD exomes 0.00003; ESP Exome Variant Server 0.00008.

Submissions (3):

GeneDx
Classification: Uncertain significance. Last evaluated: 2024-11-23. Review status: criteria provided, single submitter. Criteria: GeneDx Variant Classification Process June 2021. Collection method: clinical testing. Allele origin: germline. Affected: yes.
Comment: Not observed at significant frequency in large population cohorts (gnomAD); In silico analysis supports that this missense variant has a deleterious effect on protein structure/function; Has not been previously published as pathogenic or benign to our knowledge

Genomic Medicine Center of Excellence, King Faisal Specialist Hospital and Research Centre
Classification: Uncertain significance for Acyl-CoA dehydrogenase 9 deficiency. Last evaluated: 2024-09-22. Review status: criteria provided, single submitter. Criteria: ACMG Guidelines, 2015. Collection method: clinical testing. Allele origin: germline.

Ambry Genetics
Classification: Uncertain significance for Inborn genetic diseases. Last evaluated: 2023-03-01. Review status: criteria provided, single submitter. Criteria: Ambry Variant Classification Scheme 2023. Collection method: clinical testing. Allele origin: germline.